The following is an entry in ClinVar:

ClinVar aggregate classification (germline): Uncertain significance (1 of 4 stars; one submission).

Submission:

Labcorp Genetics (formerly Invitae), Labcorp
Classification: Uncertain significance. Last evaluated: 2021-08-27. Review status: criteria provided, single submitter. Criteria: Invitae Variant Classification Sherloc (09022015). Collection method: clinical testing. Allele origin: germline.
Comment: This sequence change replaces lysine with glutamic acid at codon 1208 of the SUCO protein (p.Lys1208Glu). The lysine residue is moderately conserved and there is a small physicochemical difference between lysine and glutamic acid. In summary, the available evidence is currently insufficient to determine the role of this variant in disease. Therefore, it has been classified as a Variant of Uncertain Significance. Algorithms developed to predict the effect of missense changes on protein structure and function are either unavailable or do not agree on the potential impact of this missense change (SIFT: "Deleterious"; PolyPhen-2: "Possibly Damaging"; Align-GVGD: "Class C0"). This variant has not been reported in the literature in individuals with SUCO-related conditions. This variant is not present in population databases (ExAC no frequency).

NM_014283.5(SUCO):c.3622A>G (p.Lys1208Glu)

Gene: SUCO (SUN domain containing ossification factor; plus strand). Cytogenetic location: 1q24.3.
Variant type: single nucleotide variant.
Coding change: c.3622A>G on transcript NM_014283.5 (MANE Select); coding-DNA position 3622, A replaced by G.
Protein change: p.Lys1208Glu; replaces lysine 1208 with glutamic acid.
Molecular consequence: missense variant.
Genome position (GRCh38, 1-based): chr1:172,610,116, A>G. VCF-style: chr1-172610116-A-G. GRCh37 (hg19) VCF-style: chr1-172579256-A-G.
Other names: c.2509A>G, p.Lys837Glu (NM_001282750.2); c.1933A>G, p.Lys645Glu (NM_001282751.2); c.4075A>G, p.Lys1359Glu (NM_016227.4); short protein forms K645E, K1208E, K837E, K1359E.
Identifiers: ClinVar variation 1487033 (VCV001487033.8), dbSNP rs2149276323, ClinGen allele CA343753729.